The following is an entry in ClinVar:

ClinVar aggregate classification (germline): Uncertain significance. Review status: criteria provided, multiple submitters, no conflicts (2 of 4 stars). 2 submissions from 2 submitters: Uncertain significance (2). Last evaluated 2025-10-07.

Conditions:
Hereditary cancer-predisposing syndrome. Also called: Neoplastic Syndromes, Hereditary; Tumor predisposition; Hereditary neoplastic syndrome; Hereditary Cancer Syndrome. Identifiers: Orphanet 140162, MedGen C0027672, MeSH D009386, MONDO:0015356.
Familial meningioma. Also called: Meningioma, familial, susceptibility to. Identifiers: Orphanet 263662, MedGen C3551915, MONDO:0011789, OMIM 607174.

Allele frequency attached by ClinVar (database versions not stated): TOPMed 0.00001.

Submissions (2):

Ambry Genetics
Classification: Uncertain significance for Hereditary cancer-predisposing syndrome. Last evaluated: 2025-10-07. Review status: criteria provided, single submitter. Criteria: Ambry Variant Classification Scheme 2023. Collection method: clinical testing. Allele origin: germline.
Comment: The p.I206M variant (also known as c.618T>G), located in coding exon 7 of the SMARCE1 gene, results from a T to G substitution at nucleotide position 618. The isoleucine at codon 206 is replaced by methionine, an amino acid with highly similar properties. This amino acid position is conserved. In addition, the in silico prediction for this alteration is inconclusive. Based on the available evidence, the clinical significance of this variant remains unclear.

Labcorp Genetics (formerly Invitae), Labcorp
Classification: Uncertain significance for Familial meningioma. Last evaluated: 2023-12-21. Review status: criteria provided, single submitter. Criteria: Invitae Variant Classification Sherloc (09022015). Collection method: clinical testing. Allele origin: germline.
Comment: This sequence change replaces isoleucine, which is neutral and non-polar, with methionine, which is neutral and non-polar, at codon 206 of the SMARCE1 protein (p.Ile206Met). This variant is not present in population databases (gnomAD no frequency). This variant has not been reported in the literature in individuals affected with SMARCE1-related conditions. Advanced modeling of protein sequence and biophysical properties (such as structural, functional, and spatial information, amino acid conservation, physicochemical variation, residue mobility, and thermodynamic stability) performed at Invitae indicates that this missense variant is expected to disrupt SMARCE1 protein function with a positive predictive value of 80%. In summary, the available evidence is currently insufficient to determine the role of this variant in disease. Therefore, it has been classified as a Variant of Uncertain Significance.

NM_003079.5(SMARCE1):c.618T>G (p.Ile206Met)

Gene: SMARCE1 (SWI/SNF related BAF chromatin remodeling complex subunit E1; minus strand). Cytogenetic location: 17q21.2.
Variant type: single nucleotide variant.
Coding change: c.618T>G on transcript NM_003079.5 (MANE Select); coding-DNA position 618, T replaced by G.
Protein change: p.Ile206Met; replaces isoleucine 206 with methionine.
Molecular consequence: missense variant.
Genome position (GRCh38, 1-based): chr17:40,632,291, A>C on the plus strand (T>G on the coding strand, the complement: SMARCE1 is on the minus strand). VCF-style: chr17-40632291-A-C. GRCh37 (hg19) VCF-style: chr17-38788543-A-C.
Other names: short protein forms I206M.
Identifiers: ClinVar variation 2717292 (VCV002717292.4), dbSNP rs1460773106, ClinGen allele CA399364740.
Genomic context (GRCh38, chr17:40,632,291, plus strand): 5'-GACCTGCATTCTAGCTGTTGTGACAACTGACCGAACGTCTGGCACCACACTCTCACTAAG[A>C]ATTTCACTGATGAGGCGGTGGTTTCTCTGGAAACGGGCGGTGGCTGTATGCTTCATTGAA-3'
Protein context (NP_003070.3, residues 196-216): FQRNHRLISE[Ile206Met]LSESVVPDVR